The following is an entry in ClinVar:

NM_000528.4(MAN2B1):c.1284T>A (p.Tyr428Ter)

Gene: MAN2B1 (mannosidase alpha class 2B member 1; minus strand). Cytogenetic location: 19p13.13.
Variant type: single nucleotide variant.
Coding change: c.1284T>A on transcript NM_000528.4 (MANE Select); coding-DNA position 1284, T replaced by A.
Protein change: p.Tyr428Ter; replaces tyrosine 428 with a stop codon.
Molecular consequence: nonsense.
Genome position (GRCh38, 1-based): chr19:12,658,088, A>T on the plus strand (T>A on the coding strand, the complement: MAN2B1 is on the minus strand). VCF-style: chr19-12658088-A-T. GRCh37 (hg19) VCF-style: chr19-12768902-A-T.
Other names: c.1281T>A, p.Tyr427Ter (NM_001173498.2); c.1287T>A, p.Tyr429Ter (NM_001440570.1); short protein forms Y427*, Y428*, Y429*.
Identifiers: ClinVar variation 4814305 (VCV004814305.1).

ClinVar aggregate classification (germline): Likely pathogenic (1 of 4 stars; one submission).

Conditions:
Deficiency of alpha-mannosidase (MANSA). Also called: Alpha-Mannosidosis; Mannosidosis, alpha-, types I and II; LYSOSOMAL ALPHA-D-MANNOSIDASE DEFICIENCY. Identifiers: Orphanet 61, MedGen C0024748, MONDO:0009561, OMIM 248500.

Submission:

Natera, Inc.
Classification: Likely pathogenic for Alpha-mannosidosis. Last evaluated: 2025-06-08. Review status: criteria provided, single submitter. Criteria: Natera Variant Classification Schema (03/2026). Collection method: clinical testing. Allele origin: germline.
Comment: The c.1284T>A variant in MAN2B1 is a nonsense variant predicted to introduce a stop codon at amino acid 428. This variant is expected to result in nonsense mediated decay, truncation, or a dysfunctional protein product. This variant is rare in the general population with a frequency below the threshold expected for the associated phenotype(s). Given the available evidence, this variant is classified as Likely Pathogenic.